The following is an entry in ClinVar:

NM_015662.3(IFT172):c.3190A>G (p.Met1064Val)

Gene: IFT172 (intraflagellar transport 172; minus strand). Cytogenetic location: 2p23.3.
Variant type: single nucleotide variant.
Coding change: c.3190A>G on transcript NM_015662.3 (MANE Select); coding-DNA position 3190, A replaced by G.
Protein change: p.Met1064Val; replaces methionine 1064 with valine.
Molecular consequence: missense variant.
Genome position (GRCh38, 1-based): chr2:27,457,677, T>C on the plus strand (A>G on the coding strand, the complement: IFT172 is on the minus strand). VCF-style: chr2-27457677-T-C. GRCh37 (hg19) VCF-style: chr2-27680544-T-C.
Other names: c.3124A>G, p.Met1042Val (NM_001410739.1); short protein forms M1042V, M1064V.
Identifiers: ClinVar variation 4987257 (VCV004987257.1).
Genomic context (GRCh38, chr2:27,457,677, plus strand): 5'-CAGTGTGGCCTGAACTCCTTACCCTGTAGGCCTCTTCCCAAAGCCCACTGGCCCGGTACA[T>C]GTTCACTGTTGCCTTCCATTCCTGGGCCTCGAGGTAGTGGTACTCAGCCTCCTGTAGTCG-3'
Protein context (NP_056477.1, residues 1054-1074): EAQEWKATVN[Met1064Val]YRASGLWEEA

ClinVar aggregate classification (germline): Uncertain significance (1 of 4 stars; one submission).

Conditions:
IFT172-related disorder. Also called: IFT172-related condition; IFT172-related disorders.

Submission:

PreventionGenetics, part of Exact Sciences
Classification: Uncertain significance for IFT172-related condition. Last evaluated: 2025-08-23. Review status: criteria provided, single submitter. Criteria: ACMG Guidelines, 2015. Collection method: clinical testing. Allele origin: germline.
Comment: The IFT172 c.3190A>G variant is predicted to result in the amino acid substitution p.Met1064Val. To our knowledge, this variant has not been reported in the literature. This variant is reported in 0.0015% of alleles in individuals of European (Non-Finnish) descent in gnomAD. At this time, the clinical significance of this variant is uncertain due to the absence of conclusive functional and genetic evidence.